The following is an entry in ClinVar:

ClinVar aggregate classification (germline): Uncertain significance (1 of 4 stars; one submission).

Submission:

Dasa
Classification: Uncertain significance. Last evaluated: 2025-12-29. Review status: criteria provided, single submitter. Criteria: DASA Assertion Criteria. Collection method: clinical testing. Allele origin: germline.
Comment: NM_173872.4(CLCN3):c.2554_2555del (p.Glu852Argfs*11) is a frameshift variant in CLCN3 predicted to alter the reading frame and introduce a premature termination codon. This variant is absent from population databases. The currently available literature and clinical evidence are not sufficient to establish a definitive association between this variant and the reported condition. Therefore, this variant is classified as a variant of uncertain significance.

NM_001829.4(CLCN3):c.*15GA[3]

Gene: CLCN3 (Cl-/H+ antiporter 3; plus strand). Cytogenetic location: 4q33.
Variant type: Microsatellite.
Coding change: c.*15GA[3] on transcript NM_001829.4 (MANE Select); three copies in a row of the 2-base unit GA starting at c.*15; the reference has four copies in a row; one copy, 2 bases deleted.
Molecular consequence: 3 prime UTR variant. On other transcripts: frameshift variant (1).
Genome position (GRCh38, 1-based): chr4:169,720,018-169,720,019, GA deleted; deleting any 2 consecutive bases within chr4:169,720,012-169,720,019 gives the same sequence; the position shown is the placement nearest the transcript's 3' end. VCF-style (leftmost placement, unchanged base first): chr4-169720011-GGA-G. GRCh37 (hg19) VCF-style: chr4-170641162-GGA-G.
Other names: c.*15GA[3] (NM_001243372.2, NM_001243374.2); c.2554_2555del, p.Glu852fs (NM_173872.4); short protein forms E852fs.
Identifiers: ClinVar variation 4883962 (VCV004883962.2).